The following is an entry in ClinVar:

NM_015268.4(DNAJC13):c.548C>T (p.Ala183Val)

Gene: DNAJC13 (DnaJ heat shock protein family (Hsp40) member C13; plus strand). Cytogenetic location: 3q22.1.
Variant type: single nucleotide variant.
Coding change: c.548C>T on transcript NM_015268.4 (MANE Select); coding-DNA position 548, C replaced by T.
Protein change: p.Ala183Val; replaces alanine 183 with valine.
Molecular consequence: missense variant.
Genome position (GRCh38, 1-based): chr3:132,453,308, C>T. VCF-style: chr3-132453308-C-T. GRCh37 (hg19) VCF-style: chr3-132172152-C-T.
Other names: c.548C>T, p.Ala183Val (NM_001329126.2); short protein forms A183V.
Identifiers: ClinVar variation 3350921 (VCV003350921.1).

ClinVar aggregate classification (germline): Uncertain significance (0 of 4 stars; one submission).

Conditions:
DNAJC13-related disorder. Also called: DNAJC13-related condition.

gnomAD v4.1: 44 of 1,612,706 alleles (0.0027%); highest among the groups gnomAD compares: South Asian, 0.025%; no homozygotes.

Submission:

PreventionGenetics, part of Exact Sciences
Classification: Uncertain significance for DNAJC13-related condition. Last evaluated: 2024-08-09. Review status: no assertion criteria provided. Collection method: clinical testing. Allele origin: germline.
Comment: The DNAJC13 c.548C>T variant is predicted to result in the amino acid substitution p.Ala183Val. To our knowledge, this variant has not been reported in the literature. This variant is reported in 0.030% of alleles in individuals of South Asian descent in gnomAD. At this time, the clinical significance of this variant is uncertain due to the absence of conclusive functional and genetic evidence.